The following is an entry in ClinVar:

NM_003072.5(SMARCA4):c.4424+2T>G

Gene: SMARCA4 (SWI/SNF related BAF chromatin remodeling complex subunit ATPase 4; plus strand). Cytogenetic location: 19p13.2.
Variant type: single nucleotide variant.
Coding change: c.4424+2T>G on transcript NM_003072.5 (MANE Select); the canonical splice donor site of the intron after coding-DNA position 4424, T replaced by G.
Molecular consequence: splice donor variant.
Genome position (GRCh38, 1-based): chr19:11,041,562, T>G. VCF-style: chr19-11041562-T-G. GRCh37 (hg19) VCF-style: chr19-11152238-T-G.
Other names: c.4424+2T>G (NM_001128844.3); c.4520+2T>G (NM_001128849.3, NM_001387283.1); c.4325+2T>G (NM_001128847.4, NM_001374457.1, NM_001128848.2); c.4421+2T>G (NM_001411150.1); c.4334+2T>G (NM_001128845.2, NM_001128846.2).
Identifiers: ClinVar variation 4884206 (VCV004884206.2).

ClinVar aggregate classification (germline): Likely pathogenic (1 of 4 stars; one submission).

Conditions:
Rhabdoid tumor predisposition syndrome 2 (RTPS2). Identifiers: Orphanet 231108, Orphanet 69077, MedGen C2750074, MONDO:0013224, OMIM 613325.

Submission:

Dasa
Classification: Likely pathogenic for Rhabdoid tumor predisposition syndrome 2. Last evaluated: 2025-11-12. Review status: criteria provided, single submitter. Criteria: DASA Assertion Criteria. Collection method: clinical testing. Allele origin: germline.
Comment: NM_003072.5(SMARCA4):c.4424+2T>G affects a canonical splice site and is predicted to disrupt normal RNA splicing. Loss of function is an established disease mechanism for SMARCA4 (PMID: 20137775; PMID: 23775540; PMID: 33907931). Also, this variant is absent from population databases. Based on the currently available evidence, this variant is classified as likely pathogenic.

Literature cited by the submitters: PubMed 20137775; PubMed 23775540; PubMed 33907931.